The following is an entry in ClinVar:

NM_001080467.3(MYO5B):c.4765G>T (p.Glu1589Ter)

Genes: MYO5B (myosin VB; minus strand), SNHG22 (small nucleolar RNA host gene 22; plus strand). Cytogenetic location: 18q21.1.
Variant type: single nucleotide variant.
Coding change: c.4765G>T on transcript NM_001080467.3 (MANE Select); coding-DNA position 4765, G replaced by T.
Protein change: p.Glu1589Ter; replaces glutamic acid 1589 with a stop codon.
Molecular consequence: nonsense.
Genome position (GRCh38, 1-based): chr18:49,839,231, C>A on the plus strand (G>T on the coding strand, the complement: MYO5B is on the minus strand). VCF-style: chr18-49839231-C-A. GRCh37 (hg19) VCF-style: chr18-47365601-C-A.
Other names: short protein forms E1589*.
Identifiers: ClinVar variation 620180 (VCV000620180.10), dbSNP rs762039116, ClinGen allele CA8960229.

ClinVar aggregate classification (germline): Conflicting classifications of pathogenicity. Review status: criteria provided, conflicting classifications (1 of 4 stars). 5 submissions from 5 submitters: Pathogenic (2); Likely pathogenic (1); Uncertain significance (1). 1 of the submissions does not count toward it. Last evaluated 2025-02-10.

Conditions:
Congenital microvillous atrophy (DIAR2). Also called: Microvillus inclusion disease; CONGENITAL FAMILIAL PROTRACTED DIARRHEA WITH ENTEROCYTE BRUSH-BORDER ABNORMALITIES; DAVIDSON DISEASE; Diarrhea 2 with microvillus atrophy, with or without cholestasis; MICROVILLUS ATROPHY, CONGENITAL. Identifiers: Orphanet 2290, MedGen C0341306, MONDO:0009635, OMIM 251850.
MYO5B-related disorder. Also called: MYO5B-related condition.

gnomAD v4.1: 1 of 1,614,156 alleles (0.000062%); highest among the groups gnomAD compares: Non-Finnish European, 0.000085%; no homozygotes.

Submissions (5):

Revvity Omics, Revvity
Classification: Pathogenic. Last evaluated: 2025-02-10. Review status: criteria provided, single submitter. Criteria: ACMG Guidelines, 2015. Collection method: clinical testing. Allele origin: germline.

GeneDx
Classification: Pathogenic. Last evaluated: 2024-06-10. Review status: criteria provided, single submitter. Criteria: GeneDx Variant Classification Process June 2021. Collection method: clinical testing. Allele origin: germline. Affected: yes.
Comment: Nonsense variant predicted to result in protein truncation or nonsense mediated decay in a gene for which loss of function is a known mechanism of disease; Not observed at significant frequency in large population cohorts (gnomAD); This variant is associated with the following publications: (PMID: 34815247, 28454995)

Genomic Medicine Center of Excellence, King Faisal Specialist Hospital and Research Centre
Classification: Uncertain significance for Congenital microvillous atrophy. Last evaluated: 2024-04-04. Review status: criteria provided, single submitter. Criteria: ACMG Guidelines, 2015. Collection method: clinical testing. Allele origin: germline.

Blueprint Genetics
Classification: Likely pathogenic for MYO5B-related disorders. Last evaluated: 2020-02-11. Review status: criteria provided, single submitter. Criteria: ACMG Guidelines, 2015. Collection method: clinical testing. Allele origin: germline. Affected: yes. Observed: 1 variant allele.

Biochemical Molecular Genetic Laboratory, King Abdulaziz Medical City
Classification: Likely pathogenic for Congenital microvillous atrophy. Last evaluated: 2019-09-26. Review status: no assertion criteria provided. Collection method: clinical testing. Allele origin: germline. Affected: yes. Not counted in ClinVar's aggregate classification.